The following is an entry in ClinVar:

ClinVar aggregate classification (germline): Uncertain significance (1 of 4 stars; one submission).

Submission:

Labcorp Genetics (formerly Invitae), Labcorp
Classification: Uncertain significance. Last evaluated: 2022-06-11. Review status: criteria provided, single submitter. Criteria: Invitae Variant Classification Sherloc (09022015). Collection method: clinical testing. Allele origin: germline.
Comment: This variant is not present in population databases (gnomAD no frequency). In summary, the available evidence is currently insufficient to determine the role of this variant in disease. Therefore, it has been classified as a Variant of Uncertain Significance. Algorithms developed to predict the effect of missense changes on protein structure and function (SIFT, PolyPhen-2, Align-GVGD) all suggest that this variant is likely to be disruptive. This variant has not been reported in the literature in individuals affected with KLHL3-related conditions. This sequence change replaces serine, which is neutral and polar, with glycine, which is neutral and non-polar, at codon 385 of the KLHL3 protein (p.Ser385Gly).

NM_017415.3(KLHL3):c.1153A>G (p.Ser385Gly)

Gene: KLHL3 (kelch like family member 3; minus strand). Cytogenetic location: 5q31.2.
Variant type: single nucleotide variant.
Coding change: c.1153A>G on transcript NM_017415.3 (MANE Select); coding-DNA position 1153, A replaced by G.
Protein change: p.Ser385Gly; replaces serine 385 with glycine.
Molecular consequence: missense variant.
Genome position (GRCh38, 1-based): chr5:137,639,019, T>C on the plus strand (A>G on the coding strand, the complement: KLHL3 is on the minus strand). VCF-style: chr5-137639019-T-C. GRCh37 (hg19) VCF-style: chr5-136974708-T-C.
Other names: c.1057A>G, p.Ser353Gly (NM_001257194.1); c.907A>G, p.Ser303Gly (NM_001257195.2); short protein forms S385G, S303G, S353G.
Identifiers: ClinVar variation 2004747 (VCV002004747.4), dbSNP rs2531683741, ClinGen allele CA361047954.